The following is an entry in ClinVar:

NM_001854.4(COL11A1):c.2809-19T>C

Gene: COL11A1 (collagen type XI alpha 1 chain; minus strand). Cytogenetic location: 1p21.1.
Variant type: single nucleotide variant.
Coding change: c.2809-19T>C on transcript NM_001854.4 (MANE Select); 19 bases into the intron before coding-DNA position 2809, T replaced by C.
Molecular consequence: intron variant.
Genome position (GRCh38, 1-based): chr1:102,970,291, A>G on the plus strand (T>C on the coding strand, the complement: COL11A1 is on the minus strand). VCF-style: chr1-102970291-A-G. GRCh37 (hg19) VCF-style: chr1-103435847-A-G.
Other names: c.2692-19T>C (NM_001190709.2); c.2845-19T>C (NM_080629.3); c.2461-19T>C (NM_080630.4).
Identifiers: ClinVar variation 2682393 (VCV002682393.1), dbSNP rs2525016352, ClinGen allele CA2646804635.
Genomic context (GRCh38, chr1:102,970,291, plus strand): 5'-TTGCCCAGGGTGTCCTGGCAGCCCATCCTTCCCAGGTGGTCCCTGAAATTACAAATATTA[A>G]ATACCACATGTCATAAATATTTAATTATTTTATAGTCTAAATGTGACATGTTAGAAAATT-3'

ClinVar aggregate classification (germline): Likely benign (1 of 4 stars; one submission).

Allele frequency attached by ClinVar (database versions not stated): gnomAD exomes below 0.00001.
gnomAD v4.1: 1 of 1,587,764 alleles (0.000063%); highest among the groups gnomAD compares: Non-Finnish European, 0.000086%; no homozygotes.

Submission:

Women's Health and Genetics/Laboratory Corporation of America, LabCorp
Classification: Likely benign. Last evaluated: 2023-11-08. Review status: criteria provided, single submitter. Criteria: LabCorp Variant Classification Summary - May 2015. Collection method: clinical testing. Allele origin: germline.
Comment: Variant summary: COL11A1 c.2809-19T>C alters a conserved nucleotide located at a position not widely known to affect splicing. Consensus agreement among computation tools predict no significant impact on normal splicing. However, these predictions have yet to be confirmed by functional studies. The variant was absent in 249962 control chromosomes. The available data on variant occurrences in the general population are insufficient to allow any conclusion about variant significance. To our knowledge, no occurrence of c.2809-19T>C in individuals affected with Stickler Syndrome and no experimental evidence demonstrating its impact on protein function have been reported. No submitters have cited clinical-significance assessments for this variant to ClinVar after 2014. Based on the evidence outlined above, the variant was classified as likely benign.